The following is an entry in ClinVar:

NM_006208.3(ENPP1):c.2561T>C (p.Leu854Ser)

Gene: ENPP1 (ectonucleotide pyrophosphatase/phosphodiesterase 1; plus strand). Cytogenetic location: 6q23.2.
Variant type: single nucleotide variant.
Coding change: c.2561T>C on transcript NM_006208.3 (MANE Select); coding-DNA position 2561, T replaced by C.
Protein change: p.Leu854Ser; replaces leucine 854 with serine.
Molecular consequence: missense variant.
Genome position (GRCh38, 1-based): chr6:131,886,678, T>C. VCF-style: chr6-131886678-T-C. GRCh37 (hg19) VCF-style: chr6-132207818-T-C.
Other names: short protein forms L854S.
Identifiers: ClinVar variation 4799298 (VCV004799298.1).

ClinVar aggregate classification (germline): Uncertain significance (1 of 4 stars; one submission).

Submission:

Labcorp Genetics (formerly Invitae), Labcorp
Classification: Uncertain significance. Last evaluated: 2025-10-29. Review status: criteria provided, single submitter. Criteria: Invitae Variant Classification Sherloc (09022015). Collection method: clinical testing. Allele origin: germline.
Comment: This sequence change replaces leucine, which is neutral and non-polar, with serine, which is neutral and polar, at codon 854 of the ENPP1 protein (p.Leu854Ser). This variant is not present in population databases (gnomAD no frequency). This variant has not been reported in the literature in individuals affected with ENPP1-related conditions. Invitae Evidence Modeling of protein sequence and biophysical properties (such as structural, functional, and spatial information, amino acid conservation, physicochemical variation, residue mobility, and thermodynamic stability) indicates that this missense variant is not expected to disrupt ENPP1 protein function with a negative predictive value of 80%. In summary, the available evidence is currently insufficient to determine the role of this variant in disease. Therefore, it has been classified as a Variant of Uncertain Significance.